The following is an entry in ClinVar:

NM_001371623.1(TCOF1):c.1411C>T (p.Gln471Ter)

Gene: TCOF1 (treacle ribosome biogenesis factor 1; plus strand). Cytogenetic location: 5q32.
Variant type: single nucleotide variant.
Coding change: c.1411C>T on transcript NM_001371623.1 (MANE Select); coding-DNA position 1411, C replaced by T.
Protein change: p.Gln471Ter; replaces glutamine 471 with a stop codon.
Molecular consequence: nonsense.
Genome position (GRCh38, 1-based): chr5:150,375,086, C>T. VCF-style: chr5-150375086-C-T. GRCh37 (hg19) VCF-style: chr5-149754649-C-T.
Other names: c.1180C>T, p.Gln394Ter (NM_000356.4, NM_001135245.2, NM_001437406.1); c.1411C>T, p.Gln471Ter (NM_001008657.3, NM_001135243.2, NM_001135244.2 and 1 more transcripts); short protein forms Q394*, Q471*.
Identifiers: ClinVar variation 4996782 (VCV004996782.1).

ClinVar aggregate classification (germline): Likely pathogenic (1 of 4 stars; one submission).

Conditions:
TCOF1-related disorder. Also called: TCOF1-related condition.

Submission:

PreventionGenetics, part of Exact Sciences
Classification: Likely pathogenic for TCOF1-related condition. Last evaluated: 2025-02-18. Review status: criteria provided, single submitter. Criteria: ACMG Guidelines, 2015. Collection method: clinical testing. Allele origin: germline.
Comment: The TCOF1 c.1411C>T variant is predicted to result in premature protein termination (p.Gln471*). To our knowledge, this variant has not been reported in the literature or in a large population database (gnomAD), indicating this variant is rare. Nonsense variants in TCOF1 are expected to be pathogenic. This variant is interpreted as likely pathogenic.